The following is an entry in ClinVar:

ClinVar aggregate classification (germline): Benign. Review status: criteria provided, multiple submitters, no conflicts (2 of 4 stars). 2 submissions from 2 submitters: Benign (2). Last evaluated 2023-03-01.

Allele frequency attached by ClinVar (database versions not stated): gnomAD 0.00009 and 0.00023; TOPMed 0.00017; gnomAD exomes 0.00048; ExAC 0.00113; 1000 Genomes Project 0.00260; 1000 Genomes Project 30x 0.00265.
gnomAD v4.1: 247 of 1,601,944 alleles (0.015%); highest among the groups gnomAD compares: East Asian, 0.38%; no homozygotes.

Submissions (2):

CeGaT Center for Human Genetics Tuebingen
Classification: Benign. Last evaluated: 2023-03-01. Review status: criteria provided, single submitter. Criteria: CeGaT Center For Human Genetics Tuebingen Variant Classification Criteria Version 2. Collection method: clinical testing. Allele origin: germline. Affected: yes. Observed: 1 variant allele.
Comment: NLRP5: BP4, BS1, BS2

Labcorp Genetics (formerly Invitae), Labcorp
Classification: Benign. Last evaluated: 2019-12-31. Review status: criteria provided, single submitter. Criteria: Invitae Variant Classification Sherloc (09022015). Collection method: clinical testing. Allele origin: germline.

NM_001433705.1(NLRP5):c.761A>G (p.Gln254Arg)

Genes: NLRP5 (NLR family pyrin domain containing 5; plus strand), LOC126862935 (BRD4-independent group 4 enhancer GRCh37_chr19:56537936-56539135; plus strand). Cytogenetic location: 19q13.43.
Variant type: single nucleotide variant.
Coding change: c.761A>G on transcript NM_001433705.1 (MANE Select); coding-DNA position 761, A replaced by G.
Protein change: p.Gln254Arg; replaces glutamine 254 with arginine.
Molecular consequence: missense variant.
Genome position (GRCh38, 1-based): chr19:56,027,147, A>G. VCF-style: chr19-56027147-A-G. GRCh37 (hg19) VCF-style: chr19-56538513-A-G.
Other names: NM_153447.4:c.914A>G; short protein forms Q254R.
Identifiers: ClinVar variation 731852 (VCV000731852.32), dbSNP rs149735408, ClinGen allele CA9685390.